The following is an entry in ClinVar:

ClinVar aggregate classification (germline): Conflicting classifications of pathogenicity. Review status: criteria provided, conflicting classifications (1 of 4 stars). 6 submissions from 6 submitters: Pathogenic (1); Uncertain significance (5). Last evaluated 2025-02-20.

Conditions:
Cardiovascular phenotype. Identifiers: MedGen CN230736.
Hypertrophic cardiomyopathy 25 (CMH25). Also called: CARDIOMYOPATHY, FAMILIAL HYPERTROPHIC, 25. Identifiers: MedGen C4225408, MONDO:0011843, OMIM 607487.
Primary familial hypertrophic cardiomyopathy (HCM). Identifiers: Orphanet 99739, MedGen C0949658, MeSH D024741, MONDO:0024573. Inheritance: Various modes of inheritance.

Allele frequency attached by ClinVar (database versions not stated): gnomAD exomes below 0.00001; gnomAD 0.00001; TOPMed 0.00002.
gnomAD v4.1: 3 of 1,612,960 alleles (0.00019%); highest among the groups gnomAD compares: Non-Finnish European, 0.00025%; no homozygotes.

Submissions (6):

Mayo Clinic Laboratories, Mayo Clinic
Classification: Uncertain significance. Last evaluated: 2025-02-20. Review status: criteria provided, single submitter. Criteria: ACMG Guidelines, 2015. Collection method: clinical testing. Allele origin: germline. Observed: 2 variant alleles.
Comment: PM2_supporting, PVS1_strong

Labcorp Genetics (formerly Invitae), Labcorp
Classification: Uncertain significance for Hypertrophic cardiomyopathy 25; Primary familial hypertrophic cardiomyopathy. Last evaluated: 2024-10-07. Review status: criteria provided, single submitter. Criteria: Invitae Variant Classification Sherloc (09022015). Collection method: clinical testing. Allele origin: germline.
Comment: This sequence change creates a premature translational stop signal (p.Gln112*) in the TCAP gene. While this is not anticipated to result in nonsense mediated decay, it is expected to disrupt the last 56 amino acid(s) of the TCAP protein. This variant is not present in population databases (gnomAD no frequency). This variant has not been reported in the literature in individuals affected with TCAP-related conditions. ClinVar contains an entry for this variant (Variation ID: 202104). Experimental studies and prediction algorithms are not available or were not evaluated, and the functional significance of this variant is currently unknown. In summary, the available evidence is currently insufficient to determine the role of this variant in disease. Therefore, it has been classified as a Variant of Uncertain Significance.

Blueprint Genetics
Classification: Uncertain significance. Last evaluated: 2024-02-09. Review status: criteria provided, single submitter. Criteria: ACMG Guidelines, 2015. Collection method: clinical testing. Allele origin: germline.

Ambry Genetics
Classification: Pathogenic for Cardiovascular phenotype. Last evaluated: 2022-04-11. Review status: criteria provided, single submitter. Criteria: Ambry Variant Classification Scheme 2023. Collection method: clinical testing. Allele origin: germline.
Comment: The p.Q112* pathogenic mutation (also known as c.334C>T), located in coding exon 2 of the TCAP gene, results from a C to T substitution at nucleotide position 334. This changes the amino acid from a glutamine to a stop codon within coding exon 2. This alteration occurs at the 3' terminus of theTCAP gene, is not expected to trigger nonsense-mediated mRNA decay, and impacts the last 33.5% of the protein. However, premature stop codons are typically deleterious in nature and the impacted region is critical for protein function (Ambry internal data). This variant is considered to be rare based on population cohorts in the Genome Aggregation Database (gnomAD). Based on the supporting evidence, this alteration is interpreted as a disease-causing mutation.

GeneDx
Classification: Uncertain significance. Last evaluated: 2016-08-17. Review status: criteria provided, single submitter. Criteria: GeneDx Variant Classification (06012015). Collection method: clinical testing. Allele origin: germline. Affected: yes.
Comment: The Q112X variant in the TCAP gene has not been reported as a disease-causing mutation or as a benign polymorphism to our knowledge. Q112X is predicted to cause loss of normal protein function by protein truncation. However, the majority of cardiomyopathy-associated mutations in the TCAP gene are missense substitutions; no truncation mutations have been reported (Stenson P et al., 2014). Loss of function mutations in the TCAP gene that result in absence of protein expression from the mutant allele have only been reported in association with autosomal recessive limb-girdle muscular dystrophy type 2G (Stenson P et al., 2014). Therefore, based on the currently available information, it is unclear whether this variant is a pathogenic variant or a rare benign variant.

Eurofins Ntd Llc (ga)
Classification: Uncertain significance. Last evaluated: 2016-07-05. Review status: criteria provided, single submitter. Criteria: EGL Classification Definitions 2015. Collection method: clinical testing. Allele origin: germline. Observed: 1 variant allele, 1 heterozygote.

NM_003673.4(TCAP):c.334C>T (p.Gln112Ter)

Gene: TCAP (titin-cap; plus strand). Cytogenetic location: 17q12.
Variant type: single nucleotide variant.
Coding change: c.334C>T on transcript NM_003673.4 (MANE Select); coding-DNA position 334, C replaced by T.
Protein change: p.Gln112Ter; replaces glutamine 112 with a stop codon.
Molecular consequence: nonsense.
Genome position (GRCh38, 1-based): chr17:39,665,939, C>T. VCF-style: chr17-39665939-C-T. GRCh37 (hg19) VCF-style: chr17-37822192-C-T.
Other names: p.Q112*:CAG>TAG; p.Gln112*; short protein forms Q112*.
Identifiers: ClinVar variation 202104 (VCV000202104.17), dbSNP rs794729175, ClinGen allele CA308823.